The following is an entry in ClinVar:

NM_020719.3(PRR12):c.3298G>A (p.Glu1100Lys)

Gene: PRR12 (proline rich 12; plus strand). Cytogenetic location: 19q13.33.
Variant type: single nucleotide variant.
Coding change: c.3298G>A on transcript NM_020719.3 (MANE Select); coding-DNA position 3298, G replaced by A.
Protein change: p.Glu1100Lys; replaces glutamic acid 1100 with lysine.
Molecular consequence: missense variant.
Genome position (GRCh38, 1-based): chr19:49,597,633, G>A. VCF-style: chr19-49597633-G-A. GRCh37 (hg19) VCF-style: chr19-50100890-G-A.
Other names: short protein forms E1100K.
Identifiers: ClinVar variation 2549752 (VCV002549752.4), dbSNP rs2514274863, ClinGen allele CA406879742.

ClinVar aggregate classification (germline): Uncertain significance. Review status: criteria provided, multiple submitters, no conflicts (2 of 4 stars). 2 submissions from 2 submitters: Uncertain significance (2). Last evaluated 2023-06-30.

Conditions:
Inborn genetic diseases. Identifiers: MedGen C0950123, MeSH D030342.

Submissions (2):

Ambry Genetics
Classification: Uncertain significance for Inborn genetic diseases. Last evaluated: 2023-06-30. Review status: criteria provided, single submitter. Criteria: Ambry Variant Classification Scheme 2023. Collection method: clinical testing. Allele origin: germline.
Comment: The c.3298G>A (p.E1100K) alteration is located in exon 4 (coding exon 4) of the PRR12 gene. This alteration results from a G to A substitution at nucleotide position 3298, causing the glutamic acid (E) at amino acid position 1100 to be replaced by a lysine (K). This variant was not reported in population-based cohorts in the Genome Aggregation Database (gnomAD). This amino acid position is highly conserved in available vertebrate species. This alteration is predicted to be tolerated by in silico analysis. Based on insufficient or conflicting evidence, the clinical significance of this alteration remains unclear.

Blueprint Genetics
Classification: Uncertain significance. Last evaluated: 2023-04-24. Review status: criteria provided, single submitter. Criteria: ACMG Guidelines, 2015. Collection method: clinical testing. Allele origin: germline.